The following is an entry in ClinVar:

NM_000287.4(PEX6):c.2540C>A (p.Ala847Asp)

Gene: PEX6 (peroxisomal biogenesis factor 6; minus strand). Cytogenetic location: 6p21.1.
Variant type: single nucleotide variant.
Coding change: c.2540C>A on transcript NM_000287.4 (MANE Select); coding-DNA position 2540, C replaced by A.
Protein change: p.Ala847Asp; replaces alanine 847 with aspartic acid.
Molecular consequence: missense variant. On other transcripts: non-coding transcript variant (1).
Genome position (GRCh38, 1-based): chr6:42,965,300, G>T on the plus strand (C>A on the coding strand, the complement: PEX6 is on the minus strand). VCF-style: chr6-42965300-G-T. GRCh37 (hg19) VCF-style: chr6-42933038-G-T.
Other names: c.2276C>A, p.Ala759Asp (NM_001316313.2); short protein forms A759D, A847D.
Identifiers: ClinVar variation 4884946 (VCV004884946.2).

ClinVar aggregate classification (germline): Uncertain significance (1 of 4 stars; one submission).

Submission:

Dasa
Classification: Uncertain significance. Last evaluated: 2025-04-15. Review status: criteria provided, single submitter. Criteria: DASA Assertion Criteria. Collection method: clinical testing. Allele origin: germline.
Comment: NM_000287.4(PEX6):c.2540C>A (p.Ala847Asp) is a missense variant that results in the substitution of alanine with aspartic acid. This variant is absent from population databases. Computational prediction algorithms are consistent with a deleterious effect. The currently available literature and clinical evidence are not sufficient to establish a definitive association between this variant and the reported condition. Therefore, this variant is classified as a variant of uncertain significance.